The following is an entry in ClinVar:

NM_080669.6(SLC46A1):c.721C>T (p.Arg241Trp)

Gene: SLC46A1 (solute carrier family 46 member 1; minus strand). Cytogenetic location: 17q11.2.
Variant type: single nucleotide variant.
Coding change: c.721C>T on transcript NM_080669.6 (MANE Select); coding-DNA position 721, C replaced by T.
Protein change: p.Arg241Trp; replaces arginine 241 with tryptophan.
Molecular consequence: missense variant.
Genome position (GRCh38, 1-based): chr17:28,404,976, G>A on the plus strand (C>T on the coding strand, the complement: SLC46A1 is on the minus strand). VCF-style: chr17-28404976-G-A. GRCh37 (hg19) VCF-style: chr17-26731994-G-A.
Other names: c.721C>T, p.Arg241Trp (NM_001242366.3); c.721C>T (NM_080669.4); short protein forms R241W.
Identifiers: ClinVar variation 2200644 (VCV002200644.2), dbSNP rs374760186, ClinGen allele CA8458295.

ClinVar aggregate classification (germline): Uncertain significance. Review status: criteria provided, multiple submitters, no conflicts (2 of 4 stars). 2 submissions from 2 submitters: Uncertain significance (2). Last evaluated 2025-04-03.

Conditions:
Inborn genetic diseases. Identifiers: MedGen C0950123, MeSH D030342.

Allele frequency attached by ClinVar (database versions not stated): gnomAD 0.00002; ESP Exome Variant Server 0.00008; 1000 Genomes Project 30x 0.00016; 1000 Genomes Project 0.00020.

Submissions (2):

Ambry Genetics
Classification: Uncertain significance for Inborn genetic diseases. Last evaluated: 2025-04-03. Review status: criteria provided, single submitter. Criteria: Ambry Variant Classification Scheme 2023. Collection method: clinical testing. Allele origin: germline.

Labcorp Genetics (formerly Invitae), Labcorp
Classification: Uncertain significance. Last evaluated: 2022-03-06. Review status: criteria provided, single submitter. Criteria: Invitae Variant Classification Sherloc (09022015). Collection method: clinical testing. Allele origin: germline.
Comment: This sequence change replaces arginine, which is basic and polar, with tryptophan, which is neutral and slightly polar, at codon 241 of the SLC46A1 protein (p.Arg241Trp). This variant is present in population databases (rs374760186, gnomAD 0.003%). This variant has not been reported in the literature in individuals affected with SLC46A1-related conditions. Experimental studies and prediction algorithms are not available or were not evaluated, and the functional significance of this variant is currently unknown. In summary, the available evidence is currently insufficient to determine the role of this variant in disease. Therefore, it has been classified as a Variant of Uncertain Significance.